The following is an entry in ClinVar:

ClinVar aggregate classification (germline): Benign/Likely benign. Review status: criteria provided, multiple submitters, no conflicts (2 of 4 stars). 3 submissions from 3 submitters: Benign (1); Likely benign (1). 1 of the submissions does not count toward it. Last evaluated 2024-02-17.

Conditions:
PIEZO1-related disorder. Also called: PIEZO1-related condition; PIEZO1-Related Disorders.

Allele frequency attached by ClinVar (database versions not stated): ExAC 0.00242.
gnomAD v4.1: 253 of 1,438,230 alleles (0.018%); highest among the groups gnomAD compares: South Asian, 0.27%; 4 homozygotes.

Submissions (3):

Labcorp Genetics (formerly Invitae), Labcorp
Classification: Benign. Last evaluated: 2024-02-17. Review status: criteria provided, single submitter. Criteria: Invitae Variant Classification Sherloc (09022015). Collection method: clinical testing. Allele origin: germline.

ARUP Laboratories, Molecular Genetics and Genomics, ARUP Laboratories
Classification: Likely benign. Last evaluated: 2023-09-11. Review status: criteria provided, single submitter. Criteria: ARUP Molecular Germline Variant Investigation Process 2024. Collection method: clinical testing. Allele origin: germline.

PreventionGenetics, part of Exact Sciences
Classification: Likely benign for PIEZO1-related condition. Last evaluated: 2023-08-03. Review status: no assertion criteria provided. Collection method: clinical testing. Allele origin: germline. Not counted in ClinVar's aggregate classification.
Comment: This variant is classified as likely benign based on ACMG/AMP sequence variant interpretation guidelines (Richards et al. 2015 PMID: 25741868, with internal and published modifications).

NM_001142864.4(PIEZO1):c.64+7G>C

Gene: PIEZO1 (piezo type mechanosensitive ion channel component 1 (Er blood group); minus strand). Cytogenetic location: 16q24.3.
Variant type: single nucleotide variant.
Coding change: c.64+7G>C on transcript NM_001142864.4 (MANE Select); 7 bases into the intron after coding-DNA position 64, G replaced by C.
Molecular consequence: intron variant.
Genome position (GRCh38, 1-based): chr16:88,784,894, C>G on the plus strand (G>C on the coding strand, the complement: PIEZO1 is on the minus strand). VCF-style: chr16-88784894-C-G. GRCh37 (hg19) VCF-style: chr16-88851302-C-G.
Other names: c.64+7G>C (NM_001142864.3).
Identifiers: ClinVar variation 2921043 (VCV002921043.5), dbSNP rs759607463, ClinGen allele CA8233450.
Genomic context (GRCh38, chr16:88,784,894, plus strand): 5'-GTCCAGGCCGTGGGGAGCCGAGACGCAGCCCCCTCCCGTCGCCCCCAGGCGCCCGCCCCC[C>G]ACTCACCAGCCAGCAGCGCGCAGGGCAGCAGCAGCCAGTACAGGACCGCGCCGAGCACGT-3'